The following is an entry in ClinVar:

NM_014874.4(MFN2):c.1679A>G (p.Lys560Arg)

Genes: MFN2 (mitofusin 2; plus strand), LOC129929426 (ATAC-STARR-seq lymphoblastoid active region 185; plus strand). Cytogenetic location: 1p36.22.
Variant type: single nucleotide variant.
Coding change: c.1679A>G on transcript NM_014874.4 (MANE Select); coding-DNA position 1679, A replaced by G.
Protein change: p.Lys560Arg; replaces lysine 560 with arginine.
Molecular consequence: missense variant.
Genome position (GRCh38, 1-based): chr1:12,005,894, A>G. VCF-style: chr1-12005894-A-G. GRCh37 (hg19) VCF-style: chr1-12065951-A-G.
Other names: c.1679A>G, p.Lys560Arg (NM_001127660.2); short protein forms K560R.
Identifiers: ClinVar variation 1494913 (VCV001494913.6), dbSNP rs754458177, ClinGen allele CA599168.

ClinVar aggregate classification (germline): Uncertain significance (1 of 4 stars; one submission).

Conditions:
Charcot-Marie-Tooth disease type 2. Also called: Charcot-Marie-Tooth type 2. Identifiers: Orphanet 64746, MedGen C0270914, MONDO:0018993.

Allele frequency attached by ClinVar (database versions not stated): gnomAD exomes 0.00001 and below 0.00001; gnomAD 0.00001; ExAC 0.00001; TOPMed 0.00002.
gnomAD v4.1: 4 of 1,613,992 alleles (0.00025%); highest among the groups gnomAD compares: African/African-American, 0.004%; no homozygotes.

Submission:

Labcorp Genetics (formerly Invitae), Labcorp
Classification: Uncertain significance for Charcot-Marie-Tooth disease type 2. Last evaluated: 2025-10-02. Review status: criteria provided, single submitter. Criteria: Invitae Variant Classification Sherloc (09022015). Collection method: clinical testing. Allele origin: germline.
Comment: This sequence change replaces lysine, which is basic and polar, with arginine, which is basic and polar, at codon 560 of the MFN2 protein (p.Lys560Arg). This variant is present in population databases (rs754458177, gnomAD 0.01%). This variant has not been reported in the literature in individuals affected with MFN2-related conditions. ClinVar contains an entry for this variant (Variation ID: 1494913). Invitae Evidence Modeling of protein sequence and biophysical properties (such as structural, functional, and spatial information, amino acid conservation, physicochemical variation, residue mobility, and thermodynamic stability) has been performed for this missense variant. However, the output from this modeling did not meet the statistical confidence thresholds required to predict the impact of this variant on MFN2 protein function. In summary, the available evidence is currently insufficient to determine the role of this variant in disease. Therefore, it has been classified as a Variant of Uncertain Significance.